The following is an entry in ClinVar:

NC_000020.10:g.(?_57466782)_(57466940_?)dup

Gene: GNAS (GNAS complex locus; plus strand). Cytogenetic location: 20q13.32.
Variant type: Duplication.
Identifiers: ClinVar variation 2423188 (VCV002423188.4).

ClinVar aggregate classification (germline): Uncertain significance (1 of 4 stars; one submission).

Submission:

Labcorp Genetics (formerly Invitae), Labcorp
Classification: Uncertain significance. Last evaluated: 2024-01-08. Review status: criteria provided, single submitter. Criteria: Invitae Variant Classification Sherloc (09022015). Collection method: clinical testing. Allele origin: germline.
Comment: This variant results in a copy number gain of the genomic region encompassing exon(s) 1 of the GNAS gene. This region includes the initiator codon of the gene. This copy number gain extends beyond the assayed region for this gene and therefore may encompass additional genes. As the precise location of this event is unknown, it may be in tandem or it may be located elsewhere in the genome. This variant has not been reported in the literature in individuals affected with GNAS-related conditions. In summary, the available evidence is currently insufficient to determine the role of this variant in disease. Therefore, it has been classified as a Variant of Uncertain Significance.